The following is an entry in ClinVar:

ClinVar aggregate classification (germline): Uncertain significance. Review status: criteria provided, multiple submitters, no conflicts (2 of 4 stars). 2 submissions from 2 submitters: Uncertain significance (2). Last evaluated 2025-04-14.

Conditions:
Inborn genetic diseases. Identifiers: MedGen C0950123, MeSH D030342.

Allele frequency attached by ClinVar (database versions not stated): gnomAD 0.00002; TOPMed 0.00003.
gnomAD v4.1: 3 of 1,614,084 alleles (0.00019%); highest among the groups gnomAD compares: African/African-American, 0.004%; no homozygotes.

Submissions (2):

Ambry Genetics
Classification: Uncertain significance for Inborn genetic diseases. Last evaluated: 2025-04-14. Review status: criteria provided, single submitter. Criteria: Ambry Variant Classification Scheme 2023. Collection method: clinical testing. Allele origin: germline.

Labcorp Genetics (formerly Invitae), Labcorp
Classification: Uncertain significance. Last evaluated: 2024-02-23. Review status: criteria provided, single submitter. Criteria: Invitae Variant Classification Sherloc (09022015). Collection method: clinical testing. Allele origin: germline.
Comment: This sequence change replaces aspartic acid, which is acidic and polar, with asparagine, which is neutral and polar, at codon 457 of the ASXL1 protein (p.Asp457Asn). This variant is not present in population databases (gnomAD no frequency). This variant has not been reported in the literature in individuals affected with ASXL1-related conditions. ClinVar contains an entry for this variant (Variation ID: 1522972). Algorithms developed to predict the effect of missense changes on protein structure and function output the following: SIFT: "Not Available"; PolyPhen-2: "Benign"; Align-GVGD: "Not Available". The asparagine amino acid residue is found in multiple mammalian species, which suggests that this missense change does not adversely affect protein function. In summary, the available evidence is currently insufficient to determine the role of this variant in disease. Therefore, it has been classified as a Variant of Uncertain Significance.

NM_015338.6(ASXL1):c.1369G>A (p.Asp457Asn)

Gene: ASXL1 (ASXL transcriptional regulator 1; plus strand). Cytogenetic location: 20q11.21.
Variant type: single nucleotide variant.
Coding change: c.1369G>A on transcript NM_015338.6 (MANE Select); coding-DNA position 1369, G replaced by A.
Protein change: p.Asp457Asn; replaces aspartic acid 457 with asparagine.
Molecular consequence: missense variant.
Genome position (GRCh38, 1-based): chr20:32,433,567, G>A. VCF-style: chr20-32433567-G-A. GRCh37 (hg19) VCF-style: chr20-31021370-G-A.
Other names: c.1369G>A (NM_015338.5); c.1186G>A, p.Asp396Asn (NM_001363734.1); short protein forms D457N, D396N.
Identifiers: ClinVar variation 1522972 (VCV001522972.10), dbSNP rs912915179, ClinGen allele CA313925420.
Genomic context (GRCh38, chr20:32,433,567, plus strand): 5'-AAGGATGCAAAATCTGTGGCCTCAGATGTTCCCCTCTACAAGGATGGGGAGGCTAAGACT[G>A]ACCCAGCAGGGCTGAGCAGTCCCCATCTGCCAGGCACATCCTCTGCAGCACCCGACCTGG-3'
Protein context (NP_056153.2, residues 447-467): PLYKDGEAKT[Asp457Asn]PAGLSSPHLP